The following is an entry in ClinVar:

NM_004560.4(ROR2):c.2411T>C (p.Met804Thr)

Gene: ROR2 (receptor tyrosine kinase like orphan receptor 2; minus strand). Cytogenetic location: 9q22.31.
Variant type: single nucleotide variant.
Coding change: c.2411T>C on transcript NM_004560.4 (MANE Select); coding-DNA position 2411, T replaced by C.
Protein change: p.Met804Thr; replaces methionine 804 with threonine.
Molecular consequence: missense variant.
Genome position (GRCh38, 1-based): chr9:91,724,083, A>G on the plus strand (T>C on the coding strand, the complement: ROR2 is on the minus strand). VCF-style: chr9-91724083-A-G. GRCh37 (hg19) VCF-style: chr9-94486365-A-G.
Other names: short protein forms M804T.
Identifiers: ClinVar variation 2716054 (VCV002716054.4), dbSNP rs753279278, ClinGen allele CA5120401.

ClinVar aggregate classification (germline): Uncertain significance. Review status: criteria provided, multiple submitters, no conflicts (2 of 4 stars). 2 submissions from 2 submitters: Uncertain significance (2). Last evaluated 2025-11-10.

Conditions:
Autosomal recessive Robinow syndrome (RRS1). Also called: ROBINOW SYNDROME, AUTOSOMAL RECESSIVE 1; ROR2-Related Robinow Syndrome; COSTOVERTEBRAL SEGMENTATION DEFECT WITH MESOMELIA; COVESDEM SYNDROME. Identifiers: Orphanet 1507, Orphanet 97360, MedGen C5399974, MONDO:0009999, OMIM 268310.
Brachydactyly type B1 (BDB1). Identifiers: Orphanet 572385, Orphanet 93383, MedGen C1862112, MONDO:0007220, OMIM 113000.

Allele frequency attached by ClinVar (database versions not stated): gnomAD exomes 0.00001; ExAC 0.00002; TOPMed 0.00002; gnomAD 0.00003.
gnomAD v4.1: 24 of 1,610,974 alleles (0.0015%); highest among the groups gnomAD compares: South Asian, 0.0044%; no homozygotes.

Submissions (2):

Labcorp Genetics (formerly Invitae), Labcorp
Classification: Uncertain significance. Last evaluated: 2025-11-10. Review status: criteria provided, single submitter. Criteria: Invitae Variant Classification Sherloc (09022015). Collection method: clinical testing. Allele origin: germline.
Comment: This sequence change replaces methionine, which is neutral and non-polar, with threonine, which is neutral and polar, at codon 804 of the ROR2 protein (p.Met804Thr). This variant is present in population databases (rs753279278, gnomAD 0.006%). This variant has not been reported in the literature in individuals affected with ROR2-related conditions. ClinVar contains an entry for this variant (Variation ID: 2716054). Invitae Evidence Modeling of protein sequence and biophysical properties (such as structural, functional, and spatial information, amino acid conservation, physicochemical variation, residue mobility, and thermodynamic stability) indicates that this missense variant is not expected to disrupt ROR2 protein function with a negative predictive value of 80%. In summary, the available evidence is currently insufficient to determine the role of this variant in disease. Therefore, it has been classified as a Variant of Uncertain Significance.

Fulgent Genetics
Classification: Uncertain significance for Brachydactyly type B1; Autosomal recessive Robinow syndrome. Last evaluated: 2024-04-29. Review status: criteria provided, single submitter. Criteria: ACMG Guidelines, 2015. Collection method: clinical testing. Allele origin: germline.